The following is an entry in ClinVar:

NM_014141.6(CNTNAP2):c.655T>G (p.Ser219Ala)

Gene: CNTNAP2 (contactin associated protein 2; plus strand). Cytogenetic location: 7q35.
Variant type: single nucleotide variant.
Coding change: c.655T>G on transcript NM_014141.6 (MANE Select); coding-DNA position 655, T replaced by G.
Protein change: p.Ser219Ala; replaces serine 219 with alanine.
Molecular consequence: missense variant.
Genome position (GRCh38, 1-based): chr7:147,108,251, T>G. VCF-style: chr7-147108251-T-G. GRCh37 (hg19) VCF-style: chr7-146805343-T-G.
Other names: c.655T>G (NM_014141.5); short protein forms S219A.
Identifiers: ClinVar variation 2109685 (VCV002109685.5), dbSNP rs759773159, ClinGen allele CA4545858.
Genomic context (GRCh38, chr7:147,108,251, plus strand): 5'-AGATTCAGAAACAAGAAGATGAAAACACTGAAAGATGTCATTGCCTTGAACTTTAAGACG[T>G]CTGAAAGTGAAGGAGTAATCCTGCACGGAGAAGGACAGCAAGGAGATTACATTACCTTGG-3'
Protein context (NP_054860.1, residues 209-229): KDVIALNFKT[Ser219Ala]ESEGVILHGE

ClinVar aggregate classification (germline): Uncertain significance. Review status: criteria provided, multiple submitters, no conflicts (2 of 4 stars). 2 submissions from 2 submitters: Uncertain significance (2). Last evaluated 2025-11-19.

Conditions:
Inborn genetic diseases. Identifiers: MedGen C0950123, MeSH D030342.
Cortical dysplasia-focal epilepsy syndrome (PTHSL1). Also called: Pitt-Hopkins-like syndrome 1. Identifiers: Orphanet 163681, Orphanet 221150, MedGen C2750246, MONDO:0012400, OMIM 610042.

Allele frequency attached by ClinVar (database versions not stated): TOPMed 0.00001; ExAC 0.00001; gnomAD 0.00001.
gnomAD v4.1: 1 of 1,613,598 alleles (0.000062%); highest among the groups gnomAD compares: African/African-American, 0.0013%; no homozygotes.

Submissions (2):

Ambry Genetics
Classification: Uncertain significance for Inborn genetic diseases. Last evaluated: 2025-11-19. Review status: criteria provided, single submitter. Criteria: Ambry Variant Classification Scheme 2023. Collection method: clinical testing. Allele origin: germline.

Labcorp Genetics (formerly Invitae), Labcorp
Classification: Uncertain significance for Cortical dysplasia-focal epilepsy syndrome. Last evaluated: 2022-03-12. Review status: criteria provided, single submitter. Criteria: Invitae Variant Classification Sherloc (09022015). Collection method: clinical testing. Allele origin: germline.
Comment: In summary, the available evidence is currently insufficient to determine the role of this variant in disease. Therefore, it has been classified as a Variant of Uncertain Significance. Algorithms developed to predict the effect of missense changes on protein structure and function are either unavailable or do not agree on the potential impact of this missense change (SIFT: "Deleterious"; PolyPhen-2: "Benign"; Align-GVGD: "Class C0"). This variant has not been reported in the literature in individuals affected with CNTNAP2-related conditions. This variant is present in population databases (rs759773159, gnomAD 0.007%). This sequence change replaces serine, which is neutral and polar, with alanine, which is neutral and non-polar, at codon 219 of the CNTNAP2 protein (p.Ser219Ala).